The following is an entry in ClinVar:

ClinVar aggregate classification (germline): Likely benign. Review status: criteria provided, single submitter (1 of 4 stars). 2 submissions from 2 submitters: Likely benign (1). 1 of the submissions does not count toward it. Last evaluated 2025-12-02.

Conditions:
PAX1-related disorder. Also called: PAX1-related condition.

Allele frequency attached by ClinVar (database versions not stated): TOPMed 0.00006; ESP Exome Variant Server 0.00008; gnomAD 0.00010.

Submissions (2):

Labcorp Genetics (formerly Invitae), Labcorp
Classification: Likely benign. Last evaluated: 2025-12-02. Review status: criteria provided, single submitter. Criteria: Invitae Variant Classification Sherloc (09022015). Collection method: clinical testing. Allele origin: germline.

PreventionGenetics, part of Exact Sciences
Classification: Likely benign for PAX1-related condition. Last evaluated: 2019-08-14. Review status: no assertion criteria provided. Collection method: clinical testing. Allele origin: germline. Not counted in ClinVar's aggregate classification.
Comment: This variant is classified as likely benign based on ACMG/AMP sequence variant interpretation guidelines (Richards et al. 2015 PMID: 25741868, with internal and published modifications).

NM_001257096.2(PAX1):c.1128C>T (p.His376=)

Gene: PAX1 (paired box 1; plus strand). Cytogenetic location: 20p11.22.
Variant type: single nucleotide variant.
Coding change: c.1128C>T on transcript NM_001257096.2 (MANE Select); coding-DNA position 1128, C replaced by T.
Protein change: p.His376=; no amino-acid change (histidine 376 retained).
Molecular consequence: synonymous variant.
Genome position (GRCh38, 1-based): chr20:21,709,290, C>T. VCF-style: chr20-21709290-C-T. GRCh37 (hg19) VCF-style: chr20-21689928-C-T.
Other names: c.1128C>T, p.His376= (NM_006192.5).
Identifiers: ClinVar variation 753752 (VCV000753752.8), dbSNP rs371067467, ClinGen allele CA9786688.
Genomic context (GRCh38, chr20:21,709,290, plus strand): 5'-CACCCTCTCTGCCGTGGGCGGCTTTCTCCCCGCCTGCGCCTACCCGGCCTCCAACCAGCA[C>T]GGCGTGTACAGCGCCCCGGGCGGCGGCTACCTCGCCCCGGGCCCGCCGTGGCCGCCTGCG-3'
Protein context (NP_001244025.1, residues 366-386): PACAYPASNQ[His376=]GVYSAPGGGY